The following is an entry in ClinVar:

ClinVar aggregate classification (germline): Uncertain significance (1 of 4 stars; one submission).

Submission:

Labcorp Genetics (formerly Invitae), Labcorp
Classification: Uncertain significance. Last evaluated: 2024-04-10. Review status: criteria provided, single submitter. Criteria: Invitae Variant Classification Sherloc (09022015). Collection method: clinical testing. Allele origin: germline.
Comment: This sequence change replaces aspartic acid, which is acidic and polar, with glycine, which is neutral and non-polar, at codon 81 of the TMPRSS15 protein (p.Asp81Gly). This variant is not present in population databases (gnomAD no frequency). This variant has not been reported in the literature in individuals affected with TMPRSS15-related conditions. An algorithm developed to predict the effect of missense changes on protein structure and function (PolyPhen-2) suggests that this variant is likely to be disruptive. In summary, the available evidence is currently insufficient to determine the role of this variant in disease. Therefore, it has been classified as a Variant of Uncertain Significance.

NM_002772.3(TMPRSS15):c.242A>G (p.Asp81Gly)

Gene: TMPRSS15 (transmembrane serine protease 15; minus strand). Cytogenetic location: 21q21.1.
Variant type: single nucleotide variant.
Coding change: c.242A>G on transcript NM_002772.3 (MANE Select); coding-DNA position 242, A replaced by G.
Protein change: p.Asp81Gly; replaces aspartic acid 81 with glycine.
Molecular consequence: missense variant.
Genome position (GRCh38, 1-based): chr21:18,398,233, T>C on the plus strand (A>G on the coding strand, the complement: TMPRSS15 is on the minus strand). VCF-style: chr21-18398233-T-C. GRCh37 (hg19) VCF-style: chr21-19770550-T-C.
Other names: short protein forms D81G.
Identifiers: ClinVar variation 2813895 (VCV002813895.3), dbSNP rs1283219124, ClinGen allele CA409853491.
Genomic context (GRCh38, chr21:18,398,233, plus strand): 5'-TTTGAAACCAGCTGTCAGTCTCCTACCATTTGCTGAAGGTCAAAAGCAAGAACTTTGAAA[T>C]CCACTGAGAGTTTGTCTTGCAAATTAGGATTATATGTAACTCCGGATGTTATTTTAAATG-3'
Protein context (NP_002763.3, residues 71-91): NPNLQDKLSV[Asp81Gly]FKVLAFDLQQ